The following is an entry in ClinVar:

NM_007289.4(MME):c.1406C>T (p.Ala469Val)

Gene: MME (membrane metalloendopeptidase; plus strand). Cytogenetic location: 3q25.2.
Variant type: single nucleotide variant.
Coding change: c.1406C>T on transcript NM_007289.4 (MANE Select); coding-DNA position 1406, C replaced by T.
Protein change: p.Ala469Val; replaces alanine 469 with valine.
Molecular consequence: missense variant.
Genome position (GRCh38, 1-based): chr3:155,144,447, C>T. VCF-style: chr3-155144447-C-T. GRCh37 (hg19) VCF-style: chr3-154862236-C-T.
Other names: c.1406C>T, p.Ala469Val (NM_000902.5, NM_001354642.2, NM_001354643.1 and 2 more transcripts); short protein forms A469V.
Identifiers: ClinVar variation 1690837 (VCV001690837.2), dbSNP rs1721355355, ClinGen allele CA355130742.

ClinVar aggregate classification (germline): Uncertain significance (1 of 4 stars; one submission).

Allele frequency attached by ClinVar (database versions not stated): gnomAD exomes below 0.00001; TOPMed below 0.00001.
gnomAD v4.1: 1 of 1,609,518 alleles (0.000062%); highest among the groups gnomAD compares: Non-Finnish European, 0.000085%; no homozygotes.

Submission:

Laboratorio de Genetica e Diagnostico Molecular, Hospital Israelita Albert Einstein
Classification: Uncertain significance. Last evaluated: 2020-03-23. Review status: criteria provided, single submitter. Criteria: ACMG Guidelines, 2015. Collection method: clinical testing. Allele origin: germline. Affected: yes.
Comment: ACMG classification criteria: PM2, PP3